The following is an entry in ClinVar:

NM_014855.3(AP5Z1):c.2221G>C (p.Glu741Gln)

Gene: AP5Z1 (adaptor related protein complex 5 subunit zeta 1; plus strand). Cytogenetic location: 7p22.1.
Variant type: single nucleotide variant.
Coding change: c.2221G>C on transcript NM_014855.3 (MANE Select); coding-DNA position 2221, G replaced by C.
Protein change: p.Glu741Gln; replaces glutamic acid 741 with glutamine.
Molecular consequence: missense variant. On other transcripts: non-coding transcript variant (1).
Genome position (GRCh38, 1-based): chr7:4,791,182, G>C. VCF-style: chr7-4791182-G-C. GRCh37 (hg19) VCF-style: chr7-4830813-G-C.
Other names: c.1753G>C, p.Glu585Gln (NM_001364858.1); short protein forms E585Q, E741Q.
Identifiers: ClinVar variation 1713749 (VCV001713749.6), dbSNP rs199745141, ClinGen allele CA366665596.

ClinVar aggregate classification (germline): Uncertain significance. Review status: criteria provided, multiple submitters, no conflicts (2 of 4 stars). 2 submissions from 2 submitters: Uncertain significance (2). Last evaluated 2022-07-27.

Conditions:
Hereditary spastic paraplegia 48. Also called: SPASTIC PARAPLEGIA 48, AUTOSOMAL RECESSIVE; Spastic paraplegia 48. Identifiers: Orphanet 306511, MedGen C3150901, MONDO:0013342, OMIM 613647.

gnomAD v4.1: 2 of 1,612,342 alleles (0.00012%); highest among the groups gnomAD compares: Middle Eastern, 0.017%; no homozygotes.

Submissions (2):

Labcorp Genetics (formerly Invitae), Labcorp
Classification: Uncertain significance for Hereditary spastic paraplegia 48. Last evaluated: 2022-07-27. Review status: criteria provided, single submitter. Criteria: Invitae Variant Classification Sherloc (09022015). Collection method: clinical testing. Allele origin: germline.
Comment: This sequence change replaces glutamic acid, which is acidic and polar, with glutamine, which is neutral and polar, at codon 741 of the AP5Z1 protein (p.Glu741Gln). This variant is not present in population databases (gnomAD no frequency). This variant has not been reported in the literature in individuals affected with AP5Z1-related conditions. Algorithms developed to predict the effect of missense changes on protein structure and function are either unavailable or do not agree on the potential impact of this missense change (SIFT: "Deleterious"; PolyPhen-2: "Possibly Damaging"; Align-GVGD: "Class C0"). In summary, the available evidence is currently insufficient to determine the role of this variant in disease. Therefore, it has been classified as a Variant of Uncertain Significance.

Breakthrough Genomics
Classification: Uncertain significance. Review status: criteria provided, single submitter. Criteria: ACMG Guidelines, 2015. Collection method: not provided. Allele origin: germline. Inheritance: Autosomal recessive inheritance. Affected: yes.